The following is an entry in ClinVar:

NM_153603.4(COG7):c.951C>A (p.Phe317Leu)

Gene: COG7 (component of oligomeric golgi complex 7; minus strand). Cytogenetic location: 16p12.2.
Variant type: single nucleotide variant.
Coding change: c.951C>A on transcript NM_153603.4 (MANE Select); coding-DNA position 951, C replaced by A.
Protein change: p.Phe317Leu; replaces phenylalanine 317 with leucine.
Molecular consequence: missense variant.
Genome position (GRCh38, 1-based): chr16:23,424,807, G>T on the plus strand (C>A on the coding strand, the complement: COG7 is on the minus strand). VCF-style: chr16-23424807-G-T. GRCh37 (hg19) VCF-style: chr16-23436128-G-T.
Other names: c.951C>A (NM_153603.3); short protein forms F317L.
Identifiers: ClinVar variation 1513984 (VCV001513984.5), dbSNP rs199739443, ClinGen allele CA7961134.

ClinVar aggregate classification (germline): Uncertain significance. Review status: criteria provided, multiple submitters, no conflicts (2 of 4 stars). 2 submissions from 2 submitters: Uncertain significance (2). Last evaluated 2023-10-05.

Conditions:
Inborn genetic diseases. Identifiers: MedGen C0950123, MeSH D030342.
COG7 congenital disorder of glycosylation (CDG2E). Also called: CDG IIe; CONGENITAL DISORDER OF GLYCOSYLATION, TYPE IIe. Identifiers: Orphanet 79333, MedGen C2931010, MONDO:0012118, OMIM 608779.

Allele frequency attached by ClinVar (database versions not stated): 1000 Genomes Project 0.00020; 1000 Genomes Project 30x 0.00031.
gnomAD v4.1: 30 of 1,614,220 alleles (0.0019%); highest among the groups gnomAD compares: East Asian, 0.067%; no homozygotes.

Submissions (2):

Ambry Genetics
Classification: Uncertain significance for Inborn genetic diseases. Last evaluated: 2023-10-05. Review status: criteria provided, single submitter. Criteria: Ambry Variant Classification Scheme 2023. Collection method: clinical testing. Allele origin: germline.

Labcorp Genetics (formerly Invitae), Labcorp
Classification: Uncertain significance for COG7 congenital disorder of glycosylation. Last evaluated: 2021-10-08. Review status: criteria provided, single submitter. Criteria: Invitae Variant Classification Sherloc (09022015). Collection method: clinical testing. Allele origin: germline.
Comment: In summary, the available evidence is currently insufficient to determine the role of this variant in disease. Therefore, it has been classified as a Variant of Uncertain Significance. Algorithms developed to predict the effect of missense changes on protein structure and function output the following: SIFT: "Tolerated"; PolyPhen-2: "Benign"; Align-GVGD: "Class C0". The leucine amino acid residue is found in multiple mammalian species, which suggests that this missense change does not adversely affect protein function. This variant has not been reported in the literature in individuals affected with COG7-related conditions. This variant is present in population databases (rs199739443, ExAC 0.09%). This sequence change replaces phenylalanine with leucine at codon 317 of the COG7 protein (p.Phe317Leu). The phenylalanine residue is moderately conserved and there is a small physicochemical difference between phenylalanine and leucine.